The following is an entry in ClinVar:

ClinVar aggregate classification (germline): Uncertain significance (1 of 4 stars; one submission).

Conditions:
Hereditary cancer-predisposing syndrome. Also called: Tumor predisposition; Hereditary neoplastic syndrome; Hereditary Cancer Syndrome; Neoplastic Syndromes, Hereditary. Identifiers: Orphanet 140162, MedGen C0027672, MeSH D009386, MONDO:0015356.

Submission:

Ambry Genetics
Classification: Uncertain significance for Hereditary cancer-predisposing syndrome. Last evaluated: 2026-05-19. Review status: criteria provided, single submitter. Criteria: Ambry Variant Classification Scheme 2023. Collection method: clinical testing. Allele origin: germline.
Comment: The p.L2659F variant (also known as c.7977A>T), located in coding exon 53 of the ATM gene, results from an A to T substitution at nucleotide position 7977. The leucine at codon 2659 is replaced by phenylalanine, an amino acid with highly similar properties. In an assay testing ATM function, this variant showed a functionally normal result (Lee KS et al. Cell, 2025 Sep;188:5081-5099.e27). This amino acid position is highly conserved in available vertebrate species. In addition, the in silico prediction for this alteration is inconclusive. Based on the available evidence, the clinical significance of this variant remains unclear.

Literature cited by the submitters: PubMed 40580951.

NM_000051.4(ATM):c.7977A>T (p.Leu2659Phe)

Genes: ATM (ATM serine/threonine kinase; plus strand), C11orf65 (chromosome 11 open reading frame 65; minus strand). Cytogenetic location: 11q22.3.
Variant type: single nucleotide variant.
Coding change: c.7977A>T on transcript NM_000051.4 (MANE Select); coding-DNA position 7977, A replaced by T.
Protein change: p.Leu2659Phe; replaces leucine 2659 with phenylalanine.
Molecular consequence: missense variant. On other transcripts: intron variant (2).
Genome position (GRCh38, 1-based): chr11:108,333,935, A>T. VCF-style: chr11-108333935-A-T. GRCh37 (hg19) VCF-style: chr11-108204662-A-T.
Other names: c.7977A>T, p.Leu2659Phe (NM_001351834.2); c.641-24864T>A (NM_001330368.2); c.*38+1285T>A (NM_001351110.2); short protein forms L2659F.
Identifiers: ClinVar variation 4866904 (VCV004866904.1).